The following is an entry in ClinVar:

ClinVar aggregate classification (germline): Pathogenic. Review status: criteria provided, multiple submitters, no conflicts (2 of 4 stars). 3 submissions from 3 submitters: Pathogenic (3). Last evaluated 2025-04-29.

Conditions:
F8-related disorder. Also called: F8-related condition.

Submissions (3):

PreventionGenetics, part of Exact Sciences
Classification: Pathogenic for F8-related condition. Last evaluated: 2025-04-29. Review status: criteria provided, single submitter. Criteria: ACMG Guidelines, 2015. Collection method: clinical testing. Allele origin: germline.
Comment: The F8 c.-219C>T variant is located in the 5' untranslated region. This variant has been reported in the hemizygous state in multiple individuals with mild to moderate hemophilia A (HA) (Bogdanova et al. 2007. PubMed ID: 16972227; Zimmermann et al. 2012. PubMed ID: 22136525; Nougier et al. 2014. PubMed ID: 24372689) and has been shown to co-segregate with disease in two multi-generational families (Dai et al. 2008. PubMed ID: 17944985; Riccardi et al. 2009. PubMed ID: 19422439). In vitro luciferase reporter assays have demonstrated that this variant leads to reduced transcriptional activity (Dai et al. 2008. PubMed ID: 17944985 ; Zimmermann et al. 2012. PubMed ID: 22136525; Nougier et al. 2014. PubMed ID: 24372689). Another experimental study showed that this variant disrupts DNA-protein interactions with multiple transcription factors, including at least one transcriptional activator (ELK1) co-expressed with factor VIII protein in the liver (Supplemental Data, Fuxman Bass et al. 2015. PubMed ID: 25910213). This variant has not been reported in gnomAD v2 genomes but has been reported in 0.00096% of alleles in individuals of European (non-Finnish) descent in gnomAD v4, including two hemizygotes. This variant is located in the proximal region of the F8 promoter sequence considered critical for transcription initiation (Figueiredo and Brownlee 1995. PubMed ID: 7744832), and several other nearby variants (c.-221T>A, c.-219delC, c.-218T>C) have also been reported as disease-causing in individuals with hemophilia A (Nougier et al. 2014. PubMed ID: 24372689). Taken together, the c.-219C>T variant is interpreted as pathogenic.

ARUP Laboratories, Molecular Genetics and Genomics, ARUP Laboratories
Classification: Pathogenic. Last evaluated: 2024-12-12. Review status: criteria provided, single submitter. Criteria: ARUP Molecular Germline Variant Investigation Process 2024. Collection method: clinical testing. Allele origin: germline.
Comment: The F8 c.-219C>T variant (rs2073766950, ClinVar Variation ID: 3380945) is reported in the literature in multiple individuals affected with mild hemophilia A (Factor VII database, Bogdanova 2007, Dai 2008, Nougier 2014, Zimmermann 2012). This variant is also absent from the Genome Aggregation Database (v2.1.1), indicating it is not a common polymorphism. The c.-219C>T variant occurs in the promoter of the F8 gene and luciferase assays found this variant had expression activity at 5- 35% of wildtype (Dai 2008, Nougier 2014, Zimmermann 2012). Based on available information, this variant is considered to be pathogenic. References: Factor FVII database: Bogdanova N et al. Spectrum of molecular defects and mutation detection rate in patients with mild and moderate hemophilia A. Hum Mutat. 2007 Jan;28(1):54-60. PMID: 16972227. Dai L et al. Characterization of a causative mutation of hemophilia A identified in the promoter region of the factor VIII gene (F8). J Thromb Haemost. 2008 Jan;6(1):193-5. PMID: 17944985. Nougier C et al. Characterization of four novel molecular changes in the promoter region of the factor VIII gene. Haemophilia. 2014 Mar;20(2):e149-56. PMID: 24372689. Zimmermann MA et al. Identification and characterization of mutations in the promoter region of the factor VIII gene. J Thromb Haemost. 2012 Feb;10(2):314-7. PMID: 22136525.

Mayo Clinic Laboratories, Mayo Clinic
Classification: Pathogenic. Last evaluated: 2024-12-09. Review status: criteria provided, single submitter. Criteria: ACMG Guidelines, 2015. Collection method: clinical testing. Allele origin: germline. Observed: 2 variant alleles.
Comment: PP1, PM1, PM2_moderate, PS3, PS4_moderate

Literature cited by the submitters: PubMed 16972227 (cited by Mayo Clinic Laboratories, Mayo Clinic); PubMed 17944985 (cited by Mayo Clinic Laboratories, Mayo Clinic); PubMed 18691168 (cited by Mayo Clinic Laboratories, Mayo Clinic); PubMed 19422439 (cited by Mayo Clinic Laboratories, Mayo Clinic); PubMed 22136525 (cited by Mayo Clinic Laboratories, Mayo Clinic); PubMed 24372689 (cited by Mayo Clinic Laboratories, Mayo Clinic); PubMed 25910213 (cited by Mayo Clinic Laboratories, Mayo Clinic); PubMed 32166871 (cited by Mayo Clinic Laboratories, Mayo Clinic); PubMed 7744832 (cited by Mayo Clinic Laboratories, Mayo Clinic); PubMed 8628260 (cited by Mayo Clinic Laboratories, Mayo Clinic).

NC_000023.11:g.155022771G>A

Gene: F8 (coagulation factor VIII; minus strand). Cytogenetic location: Xq28.
Variant type: single nucleotide variant.
Genome position: GRCh38 VCF-style: chrX-155022771-G-A. GRCh37 (hg19) VCF-style: chrX-154251046-G-A.
Other names: p.?.
Identifiers: ClinVar variation 3380945 (VCV003380945.4).